The following is an entry in ClinVar:

ClinVar aggregate classification (germline): Uncertain significance (1 of 4 stars; one submission).

Submission:

Ambry Genetics
Classification: Uncertain significance. Last evaluated: 2024-05-10. Review status: criteria provided, single submitter. Criteria: Ambry Variant Classification Scheme 2023. Collection method: clinical testing. Allele origin: germline.
Comment: The p.V470E variant (also known as c.1409T>A), located in coding exon 8 of the GALNT12 gene, results from a T to A substitution at nucleotide position 1409. The valine at codon 470 is replaced by glutamic acid, an amino acid with dissimilar properties. This amino acid position is conserved. In addition, this alteration is predicted to be tolerated by in silico analysis. Based on the available evidence, the clinical significance of this variant remains unclear.

NM_024642.5(GALNT12):c.1409T>A (p.Val470Glu)

Gene: GALNT12 (polypeptide N-acetylgalactosaminyltransferase 12; plus strand). Cytogenetic location: 9q22.33.
Variant type: single nucleotide variant.
Coding change: c.1409T>A on transcript NM_024642.5 (MANE Select); coding-DNA position 1409, T replaced by A.
Protein change: p.Val470Glu; replaces valine 470 with glutamic acid.
Molecular consequence: missense variant.
Genome position (GRCh38, 1-based): chr9:98,844,160, T>A. VCF-style: chr9-98844160-T-A. GRCh37 (hg19) VCF-style: chr9-101606442-T-A.
Other names: short protein forms V470E.
Identifiers: ClinVar variation 3280544 (VCV003280544.1).